The following is an entry in ClinVar:

ClinVar aggregate classification (germline): Uncertain significance. Review status: criteria provided, multiple submitters, no conflicts (2 of 4 stars). 2 submissions from 2 submitters: Uncertain significance (2). Last evaluated 2026-07-07.

Conditions:
Neonatal-onset encephalopathy with rigidity and seizures. Also called: Lethal neonatal spasticity-epileptic encephalopathy syndrome. Identifiers: Orphanet 435845, MedGen C3281029, MONDO:0013784, OMIM 614498.

Submissions (2):

GeneDx
Classification: Uncertain significance. Last evaluated: 2026-07-07. Review status: criteria provided, single submitter. Criteria: GeneDx Variant Classification Process June 2021. Collection method: clinical testing. Allele origin: germline.
Comment: Not observed at significant frequency in large population cohorts (gnomAD); Has not been previously published as pathogenic or benign to our knowledge; In silico analysis is inconclusive as to whether the variant alters gene splicing. In the absence of RNA/functional studies, the actual effect of this sequence change is unknown.

Labcorp Genetics (formerly Invitae), Labcorp
Classification: Uncertain significance for Neonatal-onset encephalopathy with rigidity and seizures. Last evaluated: 2022-02-04. Review status: criteria provided, single submitter. Criteria: Invitae Variant Classification Sherloc (09022015). Collection method: clinical testing. Allele origin: germline.
Comment: In summary, the available evidence is currently insufficient to determine the role of this variant in disease. Therefore, it has been classified as a Variant of Uncertain Significance. Variants that disrupt the consensus splice site are a relatively common cause of aberrant splicing (PMID: 17576681, 9536098). Algorithms developed to predict the effect of sequence changes on RNA splicing suggest that this variant may disrupt the consensus splice site. ClinVar contains an entry for this variant (Variation ID: 938339). This variant has not been reported in the literature in individuals affected with BRAT1-related conditions. This variant is not present in population databases (gnomAD no frequency). This sequence change falls in intron 9 of the BRAT1 gene. It does not directly change the encoded amino acid sequence of the BRAT1 protein. It affects a nucleotide within the consensus splice site.

Literature cited by the submitters: PubMed 17576681 (cited by Labcorp Genetics (formerly Invitae), Labcorp); PubMed 9536098 (cited by Labcorp Genetics (formerly Invitae), Labcorp).

NM_152743.4(BRAT1):c.1321+4_1321+7del

Gene: BRAT1 (BRCA1 associated ATM activator 1; minus strand). Cytogenetic location: 7p22.3.
Variant type: Deletion.
Coding change: c.1321+4_1321+7del on transcript NM_152743.4 (MANE Select); bases 4 to 7 of the intron after coding-DNA position 1321, 4 bases deleted (AGTG; older notation c.1321+4_1321+7delAGTG).
Molecular consequence: splice donor variant.
Genome position (GRCh38, 1-based): chr7:2,541,291-2,541,294, CACT deleted on the plus strand (AGTG on the coding strand, the reverse complement: BRAT1 is on the minus strand); deleting any 4 consecutive bases within chr7:2,541,291-2,541,297 gives the same sequence; the c. name uses the placement nearest the transcript's 3' end. VCF-style (leftmost placement, unchanged base first): chr7-2541290-ACACT-A. GRCh37 (hg19) VCF-style: chr7-2580924-ACACT-A.
Other names: c.796+4_796+7del (NM_001350627.2); c.1321+4_1321+7del (NM_001350626.2).
Identifiers: ClinVar variation 938339 (VCV000938339.9), dbSNP rs1779137154, ClinGen allele CA1139659961.